The following is an entry in ClinVar:

ClinVar aggregate classification (germline): Likely pathogenic (1 of 4 stars; one submission).

Conditions:
Trichothiodystrophy 9, nonphotosensitive (TTD9). Identifiers: MedGen C5562058, MONDO:0030518, OMIM 619692.
Severe early-onset pulmonary alveolar proteinosis due to MARS deficiency. Also called: Interstitial lung and liver disease; PULMONARY ALVEOLAR PROTEINOSIS, REUNION ISLAND. Identifiers: Orphanet 440427, MedGen C4225400, MONDO:0014206, OMIM 615486.
Autosomal recessive spastic paraplegia type 70 (SPG70). Identifiers: Orphanet 401835, MedGen C4749431, MONDO:0018422, OMIM 620323.

Submission:

First Genomix Gene Laboratory, Genetic Diagnostics Department
Classification: Likely pathogenic for Trichothiodystrophy 9, nonphotosensitive; Autosomal recessive spastic paraplegia type 70; Severe early-onset pulmonary alveolar proteinosis due to MARS deficiency. Last evaluated: 2025-05-27. Review status: criteria provided, single submitter. Criteria: ACMG Guidelines, 2015. Collection method: clinical testing. Allele origin: germline. Inheritance: Autosomal recessive inheritance. Affected: no. Observed: 1 variant allele.

NM_004990.4(MARS1):c.1133_1134del (p.Phe378fs)

Gene: MARS1 (methionyl-tRNA synthetase 1; plus strand). Cytogenetic location: 12q13.3.
Variant type: Deletion.
Coding change: c.1133_1134del on transcript NM_004990.4 (MANE Select); coding-DNA positions 1133 to 1134, 2 bases deleted (TT; older notation c.1133_1134delTT).
Protein change: p.Phe378fs; shifts the reading frame from phenylalanine 378.
Molecular consequence: frameshift variant.
Genome position (GRCh38, 1-based): chr12:57,500,362-57,500,363, TT deleted; deleting any 2 consecutive bases within chr12:57,500,360-57,500,363 gives the same sequence; the c. name uses the placement nearest the transcript's 3' end. VCF-style (leftmost placement, unchanged base first): chr12-57500359-GTT-G. GRCh37 (hg19) VCF-style: chr12-57894142-GTT-G.
Other names: c.1133_1134delTT (NM_004990.4); short protein forms F378fs.
Identifiers: ClinVar variation 4845906 (VCV004845906.1).